The following is an entry in ClinVar:

NM_001942.4(DSG1):c.2914G>A (p.Gly972Ser)

Genes: DSG1 (desmoglein 1; plus strand), DSG1-AS1 (DSG1 antisense RNA 1; minus strand). Cytogenetic location: 18q12.1.
Variant type: single nucleotide variant.
Coding change: c.2914G>A on transcript NM_001942.4 (MANE Select); coding-DNA position 2914, G replaced by A.
Protein change: p.Gly972Ser; replaces glycine 972 with serine.
Molecular consequence: missense variant.
Genome position (GRCh38, 1-based): chr18:31,355,110, G>A. VCF-style: chr18-31355110-G-A. GRCh37 (hg19) VCF-style: chr18-28935073-G-A.
Other names: short protein forms G972S.
Identifiers: ClinVar variation 777288 (VCV000777288.14), dbSNP rs1042755, ClinGen allele CA8926473.
Genomic context (GRCh38, chr18:31,355,110, plus strand): 5'-ACAGAGAGGGTTGTTTCTGGTGCTGGCGTAACTGGAATTAGTGGCACCACTGGGATCAGC[G>A]GTGGCATAGGCAGCAGTGGCCTGGTTGGCACCAGCATGGGTGCTGGGAGCGGTGCCCTGA-3'
Protein context (NP_001933.2, residues 962-982): TGISGTTGIS[Gly972Ser]GIGSSGLVGT

ClinVar aggregate classification (germline): Benign. Review status: criteria provided, single submitter (1 of 4 stars). 4 submissions from 4 submitters: Benign (1). 3 of the submissions do not count toward it. Last evaluated 2026-01-25.

Conditions:
DSG1-related disorder. Also called: DSG1-related condition.

Allele frequency attached by ClinVar (database versions not stated): ExAC 0.00153; 1000 Genomes Project 30x 0.00390; 1000 Genomes Project 0.00399; gnomAD 0.00499 and 0.00549; ESP Exome Variant Server 0.00507; TOPMed 0.00511.
gnomAD v4.1: 1,566 of 1,613,956 alleles (0.097%); highest among the groups gnomAD compares: African/African-American, 1.7%; 14 homozygotes.

Submissions (4):

Labcorp Genetics (formerly Invitae), Labcorp
Classification: Benign. Last evaluated: 2026-01-25. Review status: criteria provided, single submitter. Criteria: Invitae Variant Classification Sherloc (09022015). Collection method: clinical testing. Allele origin: germline.

PreventionGenetics, part of Exact Sciences
Classification: Benign for DSG1-related condition. Last evaluated: 2023-12-15. Review status: no assertion criteria provided. Collection method: clinical testing. Allele origin: germline. Not counted in ClinVar's aggregate classification.
Comment: This variant is classified as benign based on ACMG/AMP sequence variant interpretation guidelines (Richards et al. 2015 PMID: 25741868, with internal and published modifications).

Clinical Genetics DNA and cytogenetics Diagnostics Lab, Erasmus MC, Erasmus Medical Center
Classification: Benign. Review status: no assertion criteria provided. Collection method: clinical testing. Allele origin: germline. Affected: yes. Study: VKGL Data-share Consensus. Not counted in ClinVar's aggregate classification.

Laboratory of Diagnostic Genome Analysis, Leiden University Medical Center (LUMC)
Classification: Likely benign. Review status: no assertion criteria provided. Collection method: clinical testing. Allele origin: germline. Affected: yes. Study: VKGL Data-share Consensus. Not counted in ClinVar's aggregate classification.